The following is an entry in ClinVar:

NM_002184.4(IL6ST):c.578A>G (p.Asn193Ser)

Gene: IL6ST (interleukin 6 cytokine family signal transducer; minus strand). Cytogenetic location: 5q11.2.
Variant type: single nucleotide variant.
Coding change: c.578A>G on transcript NM_002184.4 (MANE Select); coding-DNA position 578, A replaced by G.
Protein change: p.Asn193Ser; replaces asparagine 193 with serine.
Molecular consequence: missense variant. On other transcripts: 5 prime UTR variant (3), non-coding transcript variant (2).
Genome position (GRCh38, 1-based): chr5:55,964,226, T>C on the plus strand (A>G on the coding strand, the complement: IL6ST is on the minus strand). VCF-style: chr5-55964226-T-C. GRCh37 (hg19) VCF-style: chr5-55260054-T-C.
Other names: c.578A>G, p.Asn193Ser (NM_001190981.2, NM_001364275.2, NM_175767.3); c.368A>G, p.Asn123Ser (NM_001364276.2); c.-336A>G (NM_001364277.2, NM_001364279.2); c.-326A>G (NM_001364278.2); short protein forms N123S, N193S.
Identifiers: ClinVar variation 1476794 (VCV001476794.6), dbSNP rs758415397, ClinGen allele CA3271669.

ClinVar aggregate classification (germline): Uncertain significance (1 of 4 stars; one submission).

Allele frequency attached by ClinVar (database versions not stated): gnomAD exomes below 0.00001; ExAC 0.00001.
gnomAD v4.1: 1 of 1,611,286 alleles (0.000062%); highest among the groups gnomAD compares: Non-Finnish European, 0.000085%; no homozygotes.

Submission:

Labcorp Genetics (formerly Invitae), Labcorp
Classification: Uncertain significance. Last evaluated: 2021-08-28. Review status: criteria provided, single submitter. Criteria: Invitae Variant Classification Sherloc (09022015). Collection method: clinical testing. Allele origin: germline.
Comment: Algorithms developed to predict the effect of sequence changes on RNA splicing suggest that this variant may create or strengthen a splice site. In summary, the available evidence is currently insufficient to determine the role of this variant in disease. Therefore, it has been classified as a Variant of Uncertain Significance. Algorithms developed to predict the effect of missense changes on protein structure and function (SIFT, PolyPhen-2, Align-GVGD) all suggest that this variant is likely to be tolerated. This variant has not been reported in the literature in individuals affected with IL6ST-related conditions. This variant is present in population databases (rs758415397, ExAC 0.001%). This sequence change replaces asparagine with serine at codon 193 of the IL6ST protein (p.Asn193Ser). The asparagine residue is moderately conserved and there is a small physicochemical difference between asparagine and serine.